The following is an entry in ClinVar:

NM_016239.4(MYO15A):c.6505del (p.Leu2169fs)

Gene: MYO15A (myosin XVA; plus strand). Cytogenetic location: 17p11.2.
Variant type: Deletion.
Coding change: c.6505del on transcript NM_016239.4 (MANE Select); coding-DNA position 6505, one base deleted (C; older notation c.6505delC).
Protein change: p.Leu2169fs; shifts the reading frame from leucine 2169.
Molecular consequence: frameshift variant.
Genome position (GRCh38, 1-based): chr17:18,146,103, C deleted. VCF-style (leftmost placement, unchanged base first): chr17-18146102-TC-T. GRCh37 (hg19) VCF-style: chr17-18049416-TC-T.
Other names: short protein forms L2169fs.
Identifiers: ClinVar variation 3601372 (VCV003601372.1).

ClinVar aggregate classification (germline): Likely pathogenic (1 of 4 stars; one submission).

Conditions:
Autosomal recessive nonsyndromic hearing loss 3. Also called: NEUROSENSORY NONSYNDROMIC RECESSIVE DEAFNESS 3. Identifiers: Orphanet 90636, MedGen C1838263, MONDO:0010860, OMIM 600316.

Submission:

Institute of Rare Diseases, West China Hospital, Sichuan University
Classification: Likely pathogenic for Autosomal recessive nonsyndromic hearing loss 3. Last evaluated: 2025-01-09. Review status: criteria provided, single submitter. Criteria: ClinGen HL ACMG Specifications v1. Collection method: research. Allele origin: germline. Affected: yes.
Comment: PVS1;PM2_Supporting